The following is an entry in ClinVar:

NM_000081.4(LYST):c.226C>T (p.Leu76Phe)

Gene: LYST (lysosomal trafficking regulator; minus strand). Cytogenetic location: 1q42.3.
Variant type: single nucleotide variant.
Coding change: c.226C>T on transcript NM_000081.4 (MANE Select); coding-DNA position 226, C replaced by T.
Protein change: p.Leu76Phe; replaces leucine 76 with phenylalanine.
Molecular consequence: missense variant.
Genome position (GRCh38, 1-based): chr1:235,813,028, G>A on the plus strand (C>T on the coding strand, the complement: LYST is on the minus strand). VCF-style: chr1-235813028-G-A. GRCh37 (hg19) VCF-style: chr1-235976328-G-A.
Other names: c.226C>T, p.Leu76Phe (NM_001301365.1); short protein forms L76F.
Identifiers: ClinVar variation 4772946 (VCV004772946.1).

ClinVar aggregate classification (germline): Uncertain significance (1 of 4 stars; one submission).

Conditions:
Chédiak-Higashi syndrome (CHS). Also called: Chediak-Higashi Syndrome. Identifiers: Orphanet 167, MedGen C0007965, MONDO:0008963, OMIM 214500.

gnomAD v4.1: 1 of 1,611,586 alleles (0.000062%); highest among the groups gnomAD compares: Non-Finnish European, 0.000085%; no homozygotes.

Submission:

Labcorp Genetics (formerly Invitae), Labcorp
Classification: Uncertain significance for Chédiak-Higashi syndrome. Last evaluated: 2025-09-17. Review status: criteria provided, single submitter. Criteria: Invitae Variant Classification Sherloc (09022015). Collection method: clinical testing. Allele origin: germline.
Comment: This sequence change replaces leucine, which is neutral and non-polar, with phenylalanine, which is neutral and non-polar, at codon 76 of the LYST protein (p.Leu76Phe). This variant is not present in population databases (gnomAD no frequency). This variant has not been reported in the literature in individuals affected with LYST-related conditions. Invitae Evidence Modeling of protein sequence and biophysical properties (such as structural, functional, and spatial information, amino acid conservation, physicochemical variation, residue mobility, and thermodynamic stability) indicates that this missense variant is not expected to disrupt LYST protein function with a negative predictive value of 80%. Algorithms developed to predict the effect of sequence changes on RNA splicing suggest that this variant may disrupt the consensus splice site. In summary, the available evidence is currently insufficient to determine the role of this variant in disease. Therefore, it has been classified as a Variant of Uncertain Significance.